The following is an entry in ClinVar:

ClinVar aggregate classification (germline): Uncertain significance. Review status: criteria provided, multiple submitters, no conflicts (2 of 4 stars). 2 submissions from 2 submitters: Uncertain significance (2). Last evaluated 2025-12-15.

Conditions:
Inborn genetic diseases. Identifiers: MedGen C0950123, MeSH D030342.

Allele frequency attached by ClinVar (database versions not stated): gnomAD exomes below 0.00001 and 0.00001; TOPMed 0.00001.
gnomAD v4.1: 2 of 1,614,168 alleles (0.00012%); highest among the groups gnomAD compares: Admixed American, 0.0033%; no homozygotes.

Submissions (2):

Labcorp Genetics (formerly Invitae), Labcorp
Classification: Uncertain significance. Last evaluated: 2025-12-15. Review status: criteria provided, single submitter. Criteria: Invitae Variant Classification Sherloc (09022015). Collection method: clinical testing. Allele origin: germline.
Comment: This sequence change replaces aspartic acid, which is acidic and polar, with glutamic acid, which is acidic and polar, at codon 543 of the BEST1 protein (p.Asp543Glu). This variant is present in population databases (no rsID available, gnomAD 0.003%). This variant has not been reported in the literature in individuals affected with BEST1-related conditions. ClinVar contains an entry for this variant (Variation ID: 1415397). Invitae Evidence Modeling of protein sequence and biophysical properties (such as structural, functional, and spatial information, amino acid conservation, physicochemical variation, residue mobility, and thermodynamic stability) has been performed for this missense variant. However, the output from this modeling did not meet the statistical confidence thresholds required to predict the impact of this variant on BEST1 protein function. In summary, the available evidence is currently insufficient to determine the role of this variant in disease. Therefore, it has been classified as a Variant of Uncertain Significance.

Ambry Genetics
Classification: Uncertain significance for Inborn genetic diseases. Last evaluated: 2025-08-12. Review status: criteria provided, single submitter. Criteria: Ambry Variant Classification Scheme 2023. Collection method: clinical testing. Allele origin: germline.

NM_004183.4(BEST1):c.1629T>A (p.Asp543Glu)

Gene: BEST1 (bestrophin 1; plus strand). Cytogenetic location: 11q12.3.
Variant type: single nucleotide variant.
Coding change: c.1629T>A on transcript NM_004183.4 (MANE Select); coding-DNA position 1629, T replaced by A.
Protein change: p.Asp543Glu; replaces aspartic acid 543 with glutamic acid.
Molecular consequence: missense variant. On other transcripts: non-coding transcript variant (1).
Genome position (GRCh38, 1-based): chr11:61,962,783, T>A. VCF-style: chr11-61962783-T-A. GRCh37 (hg19) VCF-style: chr11-61730255-T-A.
Other names: c.1629T>A (NM_004183.3); c.1449T>A, p.Asp483Glu (NM_001139443.3, NM_001300787.2); c.1368T>A, p.Asp456Glu (NM_001300786.2); c.1311T>A, p.Asp437Glu (NM_001363591.3); c.*524T>A (NM_001363592.2); c.657T>A, p.Asp219Glu (NM_001363593.3); short protein forms D437E, D543E, D219E, D456E, D483E.
Identifiers: ClinVar variation 1415397 (VCV001415397.9), dbSNP rs1301327650, ClinGen allele CA380850045.